The following is an entry in ClinVar:

NM_000179.3(MSH6):c.3329C>T (p.Pro1110Leu)

Gene: MSH6 (mutS homolog 6; plus strand). Cytogenetic location: 2p16.3.
Variant type: single nucleotide variant.
Coding change: c.3329C>T on transcript NM_000179.3 (MANE Select); coding-DNA position 3329, C replaced by T.
Protein change: p.Pro1110Leu; replaces proline 1110 with leucine.
Molecular consequence: missense variant. On other transcripts: non-coding transcript variant (5), intron variant (1).
Genome position (GRCh38, 1-based): chr2:47,803,576, C>T. VCF-style: chr2-47803576-C-T. GRCh37 (hg19) VCF-style: chr2-48030715-C-T.
Other names: c.2939C>T, p.Pro980Leu (NM_001281492.2); c.2423C>T, p.Pro808Leu (NM_001281493.2, NM_001281494.2, NM_001406811.1 and 6 more transcripts); c.3425C>T, p.Pro1142Leu (NM_001406795.1, NM_001406802.1); c.3329C>T, p.Pro1110Leu (NM_001406796.1, NM_001406800.1, NM_001406808.1 and 1 more transcripts); c.3032C>T, p.Pro1011Leu (NM_001406797.1, NM_001406801.1, NM_001406805.1 and 10 more transcripts); c.2804C>T, p.Pro935Leu (NM_001406799.1, NM_001406806.1, NM_001406807.1); c.2465C>T, p.Pro822Leu (NM_001406803.1); c.3251C>T, p.Pro1084Leu (NM_001406804.1); and 7 more; short protein forms P1142L, P935L, P1054L, P1112L, P808L, P822L, P1011L, P425L.
Identifiers: ClinVar variation 3633967 (VCV003633967.3).

ClinVar aggregate classification (germline): Uncertain significance. Review status: criteria provided, multiple submitters, no conflicts (2 of 4 stars). 3 submissions from 3 submitters: Uncertain significance (3). Last evaluated 2025-05-31.

Conditions:
Hereditary nonpolyposis colorectal neoplasms. Identifiers: MedGen C0009405, MeSH D003123.
Hereditary cancer-predisposing syndrome. Also called: Neoplastic Syndromes, Hereditary; Tumor predisposition; Hereditary Cancer Syndrome; Hereditary neoplastic syndrome. Identifiers: Orphanet 140162, MedGen C0027672, MeSH D009386, MONDO:0015356.
Lynch syndrome 5 (LYNCH5). Also called: Colorectal cancer, hereditary nonpolyposis, type 5; Hereditary non-polyposis colorectal cancer, type 5. Identifiers: Orphanet 144, MedGen C1833477, MONDO:0013710, OMIM 614350. Disease mechanism: loss of function.

Submissions (3):

Ambry Genetics
Classification: Uncertain significance for Hereditary cancer-predisposing syndrome. Last evaluated: 2025-05-31. Review status: criteria provided, single submitter. Criteria: Ambry Variant Classification Scheme 2023. Collection method: clinical testing. Allele origin: germline.
Comment: The p.P1110L variant (also known as c.3329C>T), located in coding exon 5 of the MSH6 gene, results from a C to T substitution at nucleotide position 3329. The proline at codon 1110 is replaced by leucine, an amino acid with similar properties. This amino acid position is conserved. In addition, this alteration is predicted to be deleterious by in silico analysis. Based on the available evidence, the clinical significance of this variant remains unclear.

Molecular Pathology, Peter Maccallum Cancer Centre
Classification: Uncertain significance for Lynch syndrome 5. Last evaluated: 2024-08-30. Review status: criteria provided, single submitter. Criteria: ACMG Guidelines, 2015. Collection method: clinical testing. Allele origin: germline. Inheritance: Autosomal dominant inheritance.

Labcorp Genetics (formerly Invitae), Labcorp
Classification: Uncertain significance for Hereditary nonpolyposis colorectal neoplasms. Last evaluated: 2024-06-26. Review status: criteria provided, single submitter. Criteria: Invitae Variant Classification Sherloc (09022015). Collection method: clinical testing. Allele origin: germline.
Comment: This sequence change replaces proline, which is neutral and non-polar, with leucine, which is neutral and non-polar, at codon 1110 of the MSH6 protein (p.Pro1110Leu). This variant is not present in population databases (gnomAD no frequency). This variant has not been reported in the literature in individuals affected with MSH6-related conditions. Advanced modeling of protein sequence and biophysical properties (such as structural, functional, and spatial information, amino acid conservation, physicochemical variation, residue mobility, and thermodynamic stability) has been performed at Invitae for this missense variant, however the output from this modeling did not meet the statistical confidence thresholds required to predict the impact of this variant on MSH6 protein function. In summary, the available evidence is currently insufficient to determine the role of this variant in disease. Therefore, it has been classified as a Variant of Uncertain Significance.